The following is an entry in ClinVar:

NM_000245.4(MET):c.3175A>C (p.Asn1059His)

Gene: MET (MET proto-oncogene, receptor tyrosine kinase; plus strand). Cytogenetic location: 7q31.2.
Variant type: single nucleotide variant.
Coding change: c.3175A>C on transcript NM_000245.4 (MANE Select); coding-DNA position 3175, A replaced by C.
Protein change: p.Asn1059His; replaces asparagine 1059 with histidine.
Molecular consequence: missense variant.
Genome position (GRCh38, 1-based): chr7:116,775,027, A>C. VCF-style: chr7-116775027-A-C. GRCh37 (hg19) VCF-style: chr7-116415081-A-C.
Other names: c.3229A>C, p.Asn1077His (NM_001127500.3); c.1885A>C, p.Asn629His (NM_001324402.2); short protein forms N1059H, N629H, N1077H.
Identifiers: ClinVar variation 854413 (VCV000854413.13), dbSNP rs1794951633, ClinGen allele CA368988472.

ClinVar aggregate classification (germline): Conflicting classifications of pathogenicity. Review status: criteria provided, conflicting classifications (1 of 4 stars). 2 submissions from 2 submitters: Uncertain significance (1); Likely benign (1). Last evaluated 2024-09-03.

Conditions:
Renal cell carcinoma. Identifiers: Orphanet 217071, MedGen C0007134, MeSH D002292, MONDO:0005086, HP:0005584.
Hereditary cancer-predisposing syndrome. Also called: Neoplastic Syndromes, Hereditary; Hereditary Cancer Syndrome; Tumor predisposition; Hereditary neoplastic syndrome. Identifiers: Orphanet 140162, MedGen C0027672, MeSH D009386, MONDO:0015356.

Submissions (2):

Ambry Genetics
Classification: Likely benign for Hereditary cancer-predisposing syndrome. Last evaluated: 2024-09-03. Review status: criteria provided, single submitter. Criteria: Ambry Variant Classification Scheme 2023. Collection method: clinical testing. Allele origin: germline.

Labcorp Genetics (formerly Invitae), Labcorp
Classification: Uncertain significance for Renal cell carcinoma. Last evaluated: 2022-01-07. Review status: criteria provided, single submitter. Criteria: Invitae Variant Classification Sherloc (09022015). Collection method: clinical testing. Allele origin: germline.
Comment: In summary, the available evidence is currently insufficient to determine the role of this variant in disease. Therefore, it has been classified as a Variant of Uncertain Significance. Algorithms developed to predict the effect of missense changes on protein structure and function are either unavailable or do not agree on the potential impact of this missense change (SIFT: "Tolerated"; PolyPhen-2: "Probably Damaging"; Align-GVGD: "Class C0"). ClinVar contains an entry for this variant (Variation ID: 854413). This variant has not been reported in the literature in individuals affected with MET-related conditions. This variant is not present in population databases (gnomAD no frequency). This sequence change replaces asparagine, which is neutral and polar, with histidine, which is basic and polar, at codon 1077 of the MET protein (p.Asn1077His).